The following is an entry in ClinVar:

NM_000088.4(COL1A1):c.1346G>A (p.Gly449Glu)

Gene: COL1A1 (collagen type I alpha 1 chain; minus strand). Cytogenetic location: 17q21.33.
Variant type: single nucleotide variant.
Coding change: c.1346G>A on transcript NM_000088.4 (MANE Select); coding-DNA position 1346, G replaced by A.
Protein change: p.Gly449Glu; replaces glycine 449 with glutamic acid.
Molecular consequence: missense variant.
Genome position (GRCh38, 1-based): chr17:50,195,054, C>T on the plus strand (G>A on the coding strand, the complement: COL1A1 is on the minus strand). VCF-style: chr17-50195054-C-T. GRCh37 (hg19) VCF-style: chr17-48272415-C-T.
Other names: short protein forms G449E.
Identifiers: ClinVar variation 3067620 (VCV003067620.21), dbSNP rs2509224204, ClinGen allele CA400218514.

ClinVar aggregate classification (germline): Likely pathogenic (1 of 4 stars; one submission).

Submission:

CeGaT Center for Human Genetics Tuebingen
Classification: Likely pathogenic. Last evaluated: 2024-03-01. Review status: criteria provided, single submitter. Criteria: CeGaT Center For Human Genetics Tuebingen Variant Classification Criteria Version 2. Collection method: clinical testing. Allele origin: germline. Affected: yes. Observed: 1 variant allele.
Comment: COL1A1: PM1:Strong, PM2, PS2:Moderate, PP3